The following is an entry in ClinVar:

ClinVar aggregate classification (germline): Uncertain significance (1 of 4 stars; one submission).

Conditions:
Primary ciliary dyskinesia. Also called: Ciliary dyskinesia. Identifiers: Orphanet 244, MedGen C0008780, MONDO:0016575, HP:0012265.

Allele frequency attached by ClinVar (database versions not stated): gnomAD exomes 0.00001; ExAC 0.00004; gnomAD 0.00005; ESP Exome Variant Server 0.00008; TOPMed 0.00009.
gnomAD v4.1: 17 of 1,614,020 alleles (0.0011%); highest among the groups gnomAD compares: African/African-American, 0.019%; no homozygotes.

Submission:

Ambry Genetics
Classification: Uncertain significance for Primary ciliary dyskinesia. Last evaluated: 2023-10-23. Review status: criteria provided, single submitter. Criteria: Ambry Variant Classification Scheme 2023. Collection method: clinical testing. Allele origin: germline.
Comment: The p.A982T variant (also known as c.2944G>A), located in coding exon 18 of the ARMC4 gene, results from a G to A substitution at nucleotide position 2944. The alanine at codon 982 is replaced by threonine, an amino acid with similar properties. This amino acid position is conserved. In addition, the in silico prediction for this alteration is inconclusive. Since supporting evidence is limited at this time, the clinical significance of this alteration remains unclear.

NM_018076.5(ODAD2):c.2944G>A (p.Ala982Thr)

Gene: ODAD2 (outer dynein arm docking complex subunit 2; minus strand). Cytogenetic location: 10p12.1.
Variant type: single nucleotide variant.
Coding change: c.2944G>A on transcript NM_018076.5 (MANE Select); coding-DNA position 2944, G replaced by A.
Protein change: p.Ala982Thr; replaces alanine 982 with threonine.
Molecular consequence: missense variant.
Genome position (GRCh38, 1-based): chr10:27,860,702, C>T on the plus strand (G>A on the coding strand, the complement: ODAD2 is on the minus strand). VCF-style: chr10-27860702-C-T. GRCh37 (hg19) VCF-style: chr10-28149631-C-T.
Other names: c.2944G>A, p.Ala982Thr (NM_001290020.2); c.1519G>A, p.Ala507Thr (NM_001290021.2); c.2020G>A, p.Ala674Thr (NM_001312689.2); short protein forms A507T, A674T, A982T.
Identifiers: ClinVar variation 3227119 (VCV003227119.1), dbSNP rs146309511, ClinGen allele CA5453058.
Genomic context (GRCh38, chr10:27,860,702, plus strand): 5'-CATGCATGGTGATGCAGTTATCGGCGTCTTCTGAGAGTTGGTACAAGGCCTGAGCTGTCG[C>T]CCGATGCACGTTGGTGTCATTTGATTTCAGATAACGCACTAGTGGAGCCACTGCTTTGTG-3'
Protein context (NP_060546.2, residues 972-992): LKSNDTNVHR[Ala982Thr]TAQALYQLSE